The following is an entry in ClinVar:

NM_006035.4(CDC42BPB):c.1606C>T (p.Arg536Cys)

Gene: CDC42BPB (CDC42 binding protein kinase beta; minus strand). Cytogenetic location: 14q32.32.
Variant type: single nucleotide variant.
Coding change: c.1606C>T on transcript NM_006035.4 (MANE Select); coding-DNA position 1606, C replaced by T.
Protein change: p.Arg536Cys; replaces arginine 536 with cysteine.
Molecular consequence: missense variant.
Genome position (GRCh38, 1-based): chr14:102,974,051, G>A on the plus strand (C>T on the coding strand, the complement: CDC42BPB is on the minus strand). VCF-style: chr14-102974051-G-A. GRCh37 (hg19) VCF-style: chr14-103440388-G-A.
Other names: c.1606C>T, p.Arg536Cys (NM_001411054.1); short protein forms R536C.
Identifiers: ClinVar variation 2371806 (VCV002371806.3), dbSNP rs771452351, ClinGen allele CA7361333.

ClinVar aggregate classification (germline): Uncertain significance. Review status: criteria provided, single submitter (1 of 4 stars). 2 submissions from 2 submitters: Uncertain significance (1). 1 of the submissions does not count toward it. Last evaluated 2021-09-16.

Conditions:
Inborn genetic diseases. Identifiers: MedGen C0950123, MeSH D030342.
CDC42BPB-related disorder.

Allele frequency attached by ClinVar (database versions not stated): ExAC 0.00003; gnomAD 0.00003; TOPMed 0.00005.
gnomAD v4.1: 34 of 1,613,148 alleles (0.0021%); highest among the groups gnomAD compares: East Asian, 0.013%; no homozygotes.

Submissions (2):

Ambry Genetics
Classification: Uncertain significance for Inborn genetic diseases. Last evaluated: 2021-09-16. Review status: criteria provided, single submitter. Criteria: Ambry Variant Classification Scheme 2023. Collection method: clinical testing. Allele origin: germline.

PreventionGenetics, part of Exact Sciences
Classification: Uncertain significance for CDC42BPB-related condition. Last evaluated: 2024-03-11. Review status: no assertion criteria provided. Collection method: clinical testing. Allele origin: germline. Not counted in ClinVar's aggregate classification.
Comment: The CDC42BPB c.1606C>T variant is predicted to result in the amino acid substitution p.Arg536Cys. To our knowledge, this variant has not been reported in the literature. This variant is reported in 0.0080% of alleles in individuals of African descent in gnomAD. At this time, the clinical significance of this variant is uncertain due to the absence of conclusive functional and genetic evidence.